The following is an entry in ClinVar:

NM_004006.3(DMD):c.7074C>T (p.Asn2358=)

Gene: DMD (dystrophin; minus strand). Cytogenetic location: Xp21.1.
Variant type: single nucleotide variant.
Coding change: c.7074C>T on transcript NM_004006.3 (MANE Select); coding-DNA position 7074, C replaced by T.
Protein change: p.Asn2358=; no amino-acid change (asparagine 2358 retained).
Molecular consequence: synonymous variant. On other transcripts: 5 prime UTR variant (5).
Genome position (GRCh38, 1-based): chrX:31,875,212, G>A on the plus strand (C>T on the coding strand, the complement: DMD is on the minus strand). VCF-style: chrX-31875212-G-A. GRCh37 (hg19) VCF-style: chrX-31893329-G-A.
Other names: c.7050C>T, p.Asn2350= (NM_000109.4); c.7062C>T, p.Asn2354= (NM_004009.3); c.6705C>T, p.Asn2235= (NM_004010.3); c.3051C>T, p.Asn1017= (NM_004011.4); c.3042C>T, p.Asn1014= (NM_004012.4); c.-307C>T (NM_004013.3, NM_004020.4, NM_004021.3 and 2 more transcripts).
Identifiers: ClinVar variation 511209 (VCV000511209.7), dbSNP rs1556962301, ClinGen allele CA515859486.

ClinVar aggregate classification (germline): Likely benign. Review status: criteria provided, multiple submitters, no conflicts (2 of 4 stars). 3 submissions from 3 submitters: Likely benign (2). 1 of the submissions does not count toward it. Last evaluated 2023-05-19.

Conditions:
Duchenne muscular dystrophy (DMD). Also called: MUSCULAR DYSTROPHY, PSEUDOHYPERTROPHIC PROGRESSIVE, DUCHENNE TYPE; Duchenne Muscular Dystrophy (DMD). Identifiers: Orphanet 98896, MedGen C0013264, MONDO:0010679, OMIM 310200.
Cardiomyopathy (CMYO). Also called: Cardiomyopathies. Identifiers: Orphanet 167848, MedGen C0878544, MONDO:0004994, HP:0001638. Inheritance: Various modes of inheritance.
Becker muscular dystrophy (BMD). Also called: MUSCULAR DYSTROPHY, PSEUDOHYPERTROPHIC PROGRESSIVE, BECKER TYPE; Becker Muscular Dystrophy (BMD). Identifiers: Orphanet 98895, MedGen C0917713, MONDO:0010311, OMIM 300376.
Dystrophin deficiency.

Submissions (3):

Labcorp Genetics (formerly Invitae), Labcorp
Classification: Likely benign for Duchenne muscular dystrophy. Last evaluated: 2023-05-19. Review status: criteria provided, single submitter. Criteria: Invitae Variant Classification Sherloc (09022015). Collection method: clinical testing. Allele origin: germline.

GeneDx
Classification: Likely benign. Last evaluated: 2017-08-07. Review status: criteria provided, single submitter. Criteria: GeneDx Variant Classification (06012015). Collection method: clinical testing. Allele origin: germline. Affected: yes.
Comment: This variant is considered likely benign or benign based on one or more of the following criteria: it is a conservative change, it occurs at a poorly conserved position in the protein, it is predicted to be benign by multiple in silico algorithms, and/or has population frequency not consistent with disease.

Natera, Inc.
Classification: Likely benign for Becker muscular dystrophy; Cardiomyopathy; Duchenne muscular dystrophy; Dystrophin deficiency. Last evaluated: 2019-12-21. Review status: no assertion criteria provided. Collection method: clinical testing. Allele origin: germline. Not counted in ClinVar's aggregate classification.